The following is an entry in ClinVar:

NM_000275.3(OCA2):c.1134T>C (p.His378=)

Gene: OCA2 (OCA2 melanosomal transmembrane protein; minus strand). Cytogenetic location: 15q13.1.
Variant type: single nucleotide variant.
Coding change: c.1134T>C on transcript NM_000275.3 (MANE Select); coding-DNA position 1134, T replaced by C.
Protein change: p.His378=; no amino-acid change (histidine 378 retained).
Molecular consequence: synonymous variant.
Genome position (GRCh38, 1-based): chr15:27,989,649, A>G on the plus strand (T>C on the coding strand, the complement: OCA2 is on the minus strand). VCF-style: chr15-27989649-A-G. GRCh37 (hg19) VCF-style: chr15-28234795-A-G.
Other names: c.1062T>C, p.His354= (NM_001300984.2).
Identifiers: ClinVar variation 728206 (VCV000728206.10), dbSNP rs752317540, ClinGen allele CA7439191.

ClinVar aggregate classification (germline): Benign. Review status: criteria provided, single submitter (1 of 4 stars). 2 submissions from 2 submitters: Benign (1). 1 of the submissions does not count toward it. Last evaluated 2025-11-12.

Conditions:
OCA2-related disorder. Also called: OCA2-related condition.

Allele frequency attached by ClinVar (database versions not stated): gnomAD 0.00001; gnomAD exomes 0.00003 and 0.00017; TOPMed 0.00006; ExAC 0.00017.
gnomAD v4.1: 44 of 1,613,972 alleles (0.0027%); highest among the groups gnomAD compares: Admixed American, 0.073%; 1 homozygote.

Submissions (2):

Labcorp Genetics (formerly Invitae), Labcorp
Classification: Benign. Last evaluated: 2025-11-12. Review status: criteria provided, single submitter. Criteria: Invitae Variant Classification Sherloc (09022015). Collection method: clinical testing. Allele origin: germline.

PreventionGenetics, part of Exact Sciences
Classification: Likely benign for OCA2-related condition. Last evaluated: 2020-11-23. Review status: no assertion criteria provided. Collection method: clinical testing. Allele origin: germline. Not counted in ClinVar's aggregate classification.
Comment: This variant is classified as likely benign based on ACMG/AMP sequence variant interpretation guidelines (Richards et al. 2015 PMID: 25741868, with internal and published modifications).